The following is an entry in ClinVar:

NM_004301.5(ACTL6A):c.673T>A (p.Ser225Thr)

Gene: ACTL6A (actin like 6A; plus strand). Cytogenetic location: 3q26.33.
Variant type: single nucleotide variant.
Coding change: c.673T>A on transcript NM_004301.5 (MANE Select); coding-DNA position 673, T replaced by A.
Protein change: p.Ser225Thr; replaces serine 225 with threonine.
Molecular consequence: missense variant.
Genome position (GRCh38, 1-based): chr3:179,576,721, T>A. VCF-style: chr3-179576721-T-A. GRCh37 (hg19) VCF-style: chr3-179294509-T-A.
Other names: c.547T>A, p.Ser183Thr (NM_177989.4, NM_178042.4); short protein forms S183T, S225T.
Identifiers: ClinVar variation 1695087 (VCV001695087.31), dbSNP rs34630517, ClinGen allele CA2712860.
Genomic context (GRCh38, chr3:179,576,721, plus strand): 5'-CAGTGCAGAGAACTCTTCCAAGAAATGAATATTGAATTGGTTCCTCCATATATGATTGCA[T>A]CAAAAGTAAGTAATTATTGAATTTTCTTTGTAGAACTTACTTCTAGCTCCCCCACCCCTA-3'
Protein context (NP_004292.1, residues 215-235): IELVPPYMIA[Ser225Thr]KEAVREGSPA

ClinVar aggregate classification (germline): Likely benign (1 of 4 stars; one submission).

Allele frequency attached by ClinVar (database versions not stated): 1000 Genomes Project 30x 0.00515; 1000 Genomes Project 0.00539; TOPMed 0.00889; ESP Exome Variant Server 0.00915; gnomAD 0.01086 and 0.01114; ExAC 0.01151; gnomAD exomes 0.01184 and 0.01359.
gnomAD v4.1: 21,454 of 1,612,324 alleles (1.3%); highest among the groups gnomAD compares: Middle Eastern, 1.8%; 177 homozygotes.

Submission:

CeGaT Center for Human Genetics Tuebingen
Classification: Likely benign. Last evaluated: 2026-08-01. Review status: criteria provided, single submitter. Criteria: CeGaT Center For Human Genetics Tuebingen Variant Classification Criteria Version 2. Collection method: clinical testing. Allele origin: germline. Affected: yes. Observed: 49 variant alleles.
Comment: ACTL6A: PP2, PP3, BS1, BS2